The following is an entry in ClinVar:

ClinVar aggregate classification (germline): Uncertain significance. Review status: criteria provided, multiple submitters, no conflicts (2 of 4 stars). 3 submissions from 3 submitters: Uncertain significance (3). Last evaluated 2026-09-24.

Conditions:
MERTK-related disorder. Also called: MERTK-related condition.

Allele frequency attached by ClinVar (database versions not stated): ESP Exome Variant Server 0.00008; TOPMed 0.00009; gnomAD 0.00011 and 0.00012; ExAC 0.00013; gnomAD exomes 0.00016 and 0.00018.

Submissions (3):

PreventionGenetics, part of Exact Sciences
Classification: Uncertain significance for MERTK-related condition. Last evaluated: 2026-09-24. Review status: criteria provided, single submitter. Criteria: ACMG Guidelines, 2015. Collection method: clinical testing. Allele origin: germline.
Comment: The MERTK c.2612T>C variant is predicted to result in the amino acid substitution p.Ile871Thr. To our knowledge, this variant has not been reported in the literature. This variant is present in 0.034% of alleles in individuals of European (Non-Finnish) descent in gnomAD. At this time, the clinical significance of this variant is uncertain due to the absence of conclusive functional and genetic evidence.

Blueprint Genetics
Classification: Uncertain significance. Last evaluated: 2024-10-31. Review status: criteria provided, single submitter. Criteria: ACMG Guidelines, 2015. Collection method: clinical testing. Allele origin: germline.

Labcorp Genetics (formerly Invitae), Labcorp
Classification: Uncertain significance. Last evaluated: 2023-12-11. Review status: criteria provided, single submitter. Criteria: Invitae Variant Classification Sherloc (09022015). Collection method: clinical testing. Allele origin: germline.
Comment: This sequence change replaces isoleucine, which is neutral and non-polar, with threonine, which is neutral and polar, at codon 871 of the MERTK protein (p.Ile871Thr). This variant is present in population databases (rs377341255, gnomAD 0.04%). This variant has not been reported in the literature in individuals affected with MERTK-related conditions. ClinVar contains an entry for this variant (Variation ID: 843961). Advanced modeling of protein sequence and biophysical properties (such as structural, functional, and spatial information, amino acid conservation, physicochemical variation, residue mobility, and thermodynamic stability) has been performed at Invitae for this missense variant, however the output from this modeling did not meet the statistical confidence thresholds required to predict the impact of this variant on MERTK protein function. In summary, the available evidence is currently insufficient to determine the role of this variant in disease. Therefore, it has been classified as a Variant of Uncertain Significance.

NM_006343.3(MERTK):c.2612T>C (p.Ile871Thr)

Gene: MERTK (MER proto-oncogene, tyrosine kinase; plus strand). Cytogenetic location: 2q13.
Variant type: single nucleotide variant.
Coding change: c.2612T>C on transcript NM_006343.3 (MANE Select); coding-DNA position 2612, T replaced by C.
Protein change: p.Ile871Thr; replaces isoleucine 871 with threonine.
Molecular consequence: missense variant.
Genome position (GRCh38, 1-based): chr2:112,028,476, T>C. VCF-style: chr2-112028476-T-C. GRCh37 (hg19) VCF-style: chr2-112786053-T-C.
Other names: short protein forms I871T.
Identifiers: ClinVar variation 843961 (VCV000843961.9), dbSNP rs377341255, ClinGen allele CA1831938.